The following is an entry in ClinVar:

ClinVar aggregate classification (germline): Benign/Likely benign. Review status: criteria provided, multiple submitters, no conflicts (2 of 4 stars). 3 submissions from 3 submitters: Benign (1); Likely benign (1). 1 of the submissions does not count toward it. Last evaluated 2026-01-03.

Conditions:
ATP13A3-related disorder. Also called: ATP13A3-related condition.

Allele frequency attached by ClinVar (database versions not stated): 1000 Genomes Project 0.00020; 1000 Genomes Project 30x 0.00078; TOPMed 0.00125; ESP Exome Variant Server 0.00133; ExAC 0.00182.
gnomAD v4.1: 4,028 of 1,613,710 alleles (0.25%); highest among the groups gnomAD compares: Non-Finnish European, 0.3%; 10 homozygotes.

Submissions (3):

Labcorp Genetics (formerly Invitae), Labcorp
Classification: Benign. Last evaluated: 2026-01-03. Review status: criteria provided, single submitter. Criteria: Invitae Variant Classification Sherloc (09022015). Collection method: clinical testing. Allele origin: germline.

Blueprint Genetics
Classification: Likely benign. Last evaluated: 2024-11-26. Review status: criteria provided, single submitter. Criteria: ACMG Guidelines, 2015. Collection method: clinical testing. Allele origin: germline.

PreventionGenetics, part of Exact Sciences
Classification: Likely benign for ATP13A3-related condition. Last evaluated: 2019-07-10. Review status: no assertion criteria provided. Collection method: clinical testing. Allele origin: germline. Not counted in ClinVar's aggregate classification.
Comment: This variant is classified as likely benign based on ACMG/AMP sequence variant interpretation guidelines (Richards et al. 2015 PMID: 25741868, with internal and published modifications).

NM_001367549.1(ATP13A3):c.2667+9A>T

Gene: ATP13A3 (ATPase 13A3; minus strand). Cytogenetic location: 3q29.
Variant type: single nucleotide variant.
Coding change: c.2667+9A>T on transcript NM_001367549.1 (MANE Select); 9 bases into the intron after coding-DNA position 2667, A replaced by T.
Molecular consequence: intron variant.
Genome position (GRCh38, 1-based): chr3:194,430,264, T>A on the plus strand (A>T on the coding strand, the complement: ATP13A3 is on the minus strand). VCF-style: chr3-194430264-T-A. GRCh37 (hg19) VCF-style: chr3-194150993-T-A.
Other names: c.2586+9A>T (NM_001374836.1); c.2667+9A>T (NM_024524.4, NM_024524.3).
Identifiers: ClinVar variation 2748214 (VCV002748214.6), dbSNP rs201310697, ClinGen allele CA2761608.